The following is an entry in ClinVar:

ClinVar aggregate classification (germline): Uncertain significance (1 of 4 stars; one submission).

Submission:

CeGaT Center for Human Genetics Tuebingen
Classification: Uncertain significance. Last evaluated: 2022-11-01. Review status: criteria provided, single submitter. Criteria: CeGaT Center For Human Genetics Tuebingen Variant Classification Criteria Version 2. Collection method: clinical testing. Allele origin: germline. Affected: yes. Observed: 1 variant allele.
Comment: GABRG2: PM2, PP2, BP4

NM_198904.4(GABRG2):c.631+1248A>C

Gene: GABRG2 (gamma-aminobutyric acid type A receptor subunit gamma2; plus strand). Cytogenetic location: 5q34.
Variant type: single nucleotide variant.
Coding change: c.631+1248A>C on transcript NM_198904.4 (MANE Select); 1248 bases into the intron after coding-DNA position 631, A replaced by C.
Molecular consequence: intron variant. On other transcripts: missense variant (2).
Genome position (GRCh38, 1-based): chr5:162,102,565, A>C. VCF-style: chr5-162102565-A-C. GRCh37 (hg19) VCF-style: chr5-161529571-A-C.
Other names: c.643A>C, p.Ile215Leu (NM_001375343.1, NM_198903.2); c.346+1248A>C (NM_001375349.1); c.631+1248A>C (NM_001375344.1, NM_001375340.1, NM_001375341.1 and 2 more transcripts); c.211+1248A>C (NM_001375350.1, NM_001375348.1); c.622+1248A>C (NM_001375339.1); c.565+1248A>C (NM_001375346.1, NM_001375345.1); c.544+1248A>C (NM_001375347.1); short protein forms I215L.
Identifiers: ClinVar variation 2656021 (VCV002656021.24), dbSNP rs211035, ClinGen allele CA362184719.